The following is an entry in ClinVar:

ClinVar aggregate classification (germline): Uncertain significance. Review status: criteria provided, multiple submitters, no conflicts (2 of 4 stars). 2 submissions from 2 submitters: Uncertain significance (2). Last evaluated 2025-10-16.

Conditions:
Intellectual developmental disorder, autosomal dominant 1. Also called: MBD5 Haploinsufficiency; Intellectual disability, autosomal dominant 1. Identifiers: Orphanet 228402, MedGen C1969562, MONDO:0007974, OMIM 156200.

gnomAD v4.1: 1 of 1,613,866 alleles (0.000062%); highest among the groups gnomAD compares: Non-Finnish European, 0.000085%; no homozygotes.

Submissions (2):

Labcorp Genetics (formerly Invitae), Labcorp
Classification: Uncertain significance for Intellectual developmental disorder, autosomal dominant 1. Last evaluated: 2025-10-16. Review status: criteria provided, single submitter. Criteria: Invitae Variant Classification Sherloc (09022015). Collection method: clinical testing. Allele origin: germline.
Comment: This sequence change replaces arginine, which is basic and polar, with glycine, which is neutral and non-polar, at codon 104 of the MBD5 protein (p.Arg104Gly). This variant is not present in population databases (gnomAD no frequency). This variant has not been reported in the literature in individuals affected with MBD5-related conditions. Invitae Evidence Modeling of protein sequence and biophysical properties (such as structural, functional, and spatial information, amino acid conservation, physicochemical variation, residue mobility, and thermodynamic stability) indicates that this missense variant is expected to disrupt MBD5 protein function with a positive predictive value of 80%. In summary, the available evidence is currently insufficient to determine the role of this variant in disease. Therefore, it has been classified as a Variant of Uncertain Significance.

Clinical Genomics Laboratory, Washington University in St. Louis
Classification: Uncertain significance for Intellectual developmental disorder, autosomal dominant 1. Last evaluated: 2025-06-13. Review status: criteria provided, single submitter. Criteria: ACMG Guidelines, 2015. Collection method: clinical testing. Allele origin: germline.
Comment: The MBD5 c.310A>G (p.Arg104Gly) variant, to our knowledge, has not been reported in the medical literature. This variant is absent from the general population (gnomAD v.2.1.1), indicating it is not a common variant. Computational predictors indicate that the variant is damaging, evidence that correlates with impact to MBD5 function. Due to limited information, and based on ACMG/AMP guidelines for variant interpretation (Richards S et al., PMID: 25741868), the clinical significance of this variant is uncertain at this time.

NM_001378120.1(MBD5):c.310A>G (p.Arg104Gly)

Gene: MBD5 (methyl-CpG binding domain protein 5; plus strand). Cytogenetic location: 2q23.1.
Variant type: single nucleotide variant.
Coding change: c.310A>G on transcript NM_001378120.1 (MANE Select); coding-DNA position 310, A replaced by G.
Protein change: p.Arg104Gly; replaces arginine 104 with glycine.
Molecular consequence: missense variant.
Genome position (GRCh38, 1-based): chr2:148,463,832, A>G. VCF-style: chr2-148463832-A-G. GRCh37 (hg19) VCF-style: chr2-149221401-A-G.
Other names: c.310A>G, p.Arg104Gly (NM_001438854.1, NM_001438855.1, NM_001438856.1 and 7 more transcripts); short protein forms R104G.
Identifiers: ClinVar variation 4279829 (VCV004279829.2).